The following is an entry in ClinVar:

ClinVar aggregate classification (germline): Likely benign (1 of 4 stars; one submission).

Conditions:
VIM-related disorder. Also called: VIM-related condition.

Submission:

PreventionGenetics, part of Exact Sciences
Classification: Likely benign for VIM-related condition. Last evaluated: 2025-09-08. Review status: criteria provided, single submitter. Criteria: ACMG Guidelines, 2015. Collection method: clinical testing. Allele origin: germline.
Comment: This variant is classified as likely benign based on ACMG/AMP sequence variant interpretation guidelines (Richards et al. 2015 PMID: 25741868, with internal and published modifications).

NM_003380.5(VIM):c.525C>G (p.Arg175=)

Genes: VIM (vimentin; plus strand), VIM-AS1 (VIM antisense RNA 1; minus strand). Cytogenetic location: 10p13.
Variant type: single nucleotide variant.
Coding change: c.525C>G on transcript NM_003380.5 (MANE Select); coding-DNA position 525, C replaced by G.
Protein change: p.Arg175=; no amino-acid change (arginine 175 retained).
Molecular consequence: synonymous variant. On other transcripts: non-coding transcript variant (1).
Genome position (GRCh38, 1-based): chr10:17,229,947, C>G. VCF-style: chr10-17229947-C-G. GRCh37 (hg19) VCF-style: chr10-17271946-C-G.
Identifiers: ClinVar variation 4985217 (VCV004985217.1).